The following is an entry in ClinVar:

NM_001035.3(RYR2):c.950T>C (p.Met317Thr)

Gene: RYR2 (ryanodine receptor 2; plus strand). Cytogenetic location: 1q43.
Variant type: single nucleotide variant.
Coding change: c.950T>C on transcript NM_001035.3 (MANE Select); coding-DNA position 950, T replaced by C.
Protein change: p.Met317Thr; replaces methionine 317 with threonine.
Molecular consequence: missense variant.
Genome position (GRCh38, 1-based): chr1:237,423,193, T>C. VCF-style: chr1-237423193-T-C. GRCh37 (hg19) VCF-style: chr1-237586493-T-C.
Other names: p.Met317Thr; c.950T>C, p.Met317Thr (LRG_402t1); short protein forms M317T.
Identifiers: ClinVar variation 451310 (VCV000451310.26), dbSNP rs367601258, ClinGen allele CA087910.
Genomic context (GRCh38, chr1:237,423,193, plus strand): 5'-TACGCCATGTCACAACAGGAAAATACTTGAGTCTCATGGAAGACAAAAACCTTCTACTCA[T>C]GGACAAAGAGAAAGCTGATGTAAAATCAACAGCATTTACCTTCCGGTCTTCCAAGGTGAG-3'
Protein context (NP_001026.2, residues 307-327): SLMEDKNLLL[Met317Thr]DKEKADVKST

ClinVar aggregate classification (germline): Conflicting classifications of pathogenicity. Review status: criteria provided, conflicting classifications (1 of 4 stars). 9 submissions from 9 submitters: Uncertain significance (7); Likely benign (2). Last evaluated 2025-11-05.

Conditions:
Catecholaminergic polymorphic ventricular tachycardia 1. Also called: VENTRICULAR TACHYCARDIA, CATECHOLAMINERGIC POLYMORPHIC, 1, WITH OR WITHOUT ATRIAL DYSFUNCTION AND/OR DILATED CARDIOMYOPATHY; VENTRICULAR TACHYCARDIA, STRESS-INDUCED POLYMORPHIC 1; RYR2-Related Catecholaminergic Polymorphic Ventricular Tachycardia. Identifiers: Orphanet 3286, MedGen C1631597, MONDO:0011484, OMIM 604772.
Arrhythmogenic right ventricular dysplasia 2. Identifiers: MedGen C1832931.
Ventricular arrhythmias due to cardiac ryanodine receptor calcium release deficiency syndrome. Also called: Autosomal dominant cardiac arrhythmia (Kuhn). Identifiers: MedGen C5542154, MONDO:0020745, OMIM 115000.
Catecholaminergic polymorphic ventricular tachycardia (CVPT). Also called: Catecholamine-induced polymorphic ventricular tachycardia. Identifiers: Orphanet 3286, MedGen C5574922, MONDO:0017990.
Cardiovascular phenotype. Identifiers: MedGen CN230736.
Cardiomyopathy (CMYO). Also called: Cardiomyopathies. Identifiers: Orphanet 167848, MedGen C0878544, MONDO:0004994, HP:0001638. Inheritance: Various modes of inheritance.

Allele frequency attached by ClinVar (database versions not stated): ExAC 0.00003; gnomAD exomes 0.00003 and 0.00013; gnomAD 0.00004; TOPMed 0.00005; ESP Exome Variant Server 0.00008.
gnomAD v4.1: 208 of 1,613,696 alleles (0.013%); highest among the groups gnomAD compares: Non-Finnish European, 0.016%; no homozygotes.

Submissions (9):

Labcorp Genetics (formerly Invitae), Labcorp
Classification: Likely benign for Catecholaminergic polymorphic ventricular tachycardia 1. Last evaluated: 2025-11-05. Review status: criteria provided, single submitter. Criteria: Invitae Variant Classification Sherloc (09022015). Collection method: clinical testing. Allele origin: germline.

Women's Health and Genetics/Laboratory Corporation of America, LabCorp
Classification: Likely benign. Last evaluated: 2025-07-21. Review status: criteria provided, single submitter. Criteria: LabCorp Variant Classification Summary - May 2015. Collection method: clinical testing. Allele origin: germline.
Comment: Variant summary: RYR2 c.950T>C (p.Met317Thr) results in a non-conservative amino acid change in the encoded protein sequence. Algorithms developed to predict the effect of missense changes on protein structure and function are either unavailable or do not agree on the potential impact of this missense change. The variant allele was found at a frequency of 0.00013 in 1613696 control chromosomes, predominantly at a frequency of 0.00024 within the Non-Finnish European subpopulation in the gnomAD database. The observed variant frequency within Non-Finnish European control individuals in the gnomAD database (v4.1) is approximately 7 fold of the estimated maximal expected allele frequency for a pathogenic variant in RYR2 causing Catecholaminergic Polymorphic Ventricular Tachycardia phenotype (3.4e-05). To our knowledge, no occurrence of c.950T>C in individuals affected with Catecholaminergic Polymorphic Ventricular Tachycardia and no experimental evidence demonstrating its impact on protein function have been reported. ClinVar contains an entry for this variant (Variation ID: 451310). Based on the evidence outlined above, the variant was classified as likely benign.

All of Us Research Program, National Institutes of Health
Classification: Uncertain significance for Catecholaminergic polymorphic ventricular tachycardia. Last evaluated: 2024-09-23. Review status: criteria provided, single submitter. Criteria: ACMG Guidelines, 2015. Collection method: clinical testing. Allele origin: germline. Inheritance: Autosomal dominant inheritance. Observed: 22 variant alleles, 22 heterozygotes.
Comment: This missense variant replaces methionine with threonine at codon 317 of the RYR2 protein. Computational prediction suggests that this variant may not impact protein structure and function (internally defined REVEL score threshold <= 0.5, PMID: 27666373). To our knowledge, functional studies have not been reported for this variant. This variant has been reported in an individual affected with sudden infant death syndrome (PMID: 29544605) and in another individual affected with unspecified arrhythmia (PMID: 30847666). This variant has been identified in 9/280154 chromosomes in the general population by the Genome Aggregation Database (gnomAD). The available evidence is insufficient to determine the role of this variant in disease conclusively. Therefore, this variant is classified as a Variant of Uncertain Significance.

This study involves interpretation of variants in research participants for the purpose of population health screening. Participant phenotype was not available at the time of variant classification. Additional details can be found in publication PMID: 35346344, PMCID: PMC8962531

Color Diagnostics, LLC DBA Color Health
Classification: Uncertain significance for Cardiomyopathy. Last evaluated: 2024-04-05. Review status: criteria provided, single submitter. Criteria: ACMG Guidelines, 2015. Collection method: clinical testing. Allele origin: germline.
Comment: This missense variant replaces methionine with threonine at codon 317 of the RYR2 protein. Computational prediction suggests that this variant may not impact protein structure and function (internally defined REVEL score threshold <= 0.5, PMID: 27666373). To our knowledge, functional studies have not been reported for this variant. This variant has been reported in an individual affected with sudden infant death syndrome (PMID: 29544605) and in another individual affected with unspecified arrhythmia (PMID: 30847666). This variant has been identified in 9/280154 chromosomes in the general population by the Genome Aggregation Database (gnomAD). The available evidence is insufficient to determine the role of this variant in disease conclusively. Therefore, this variant is classified as a Variant of Uncertain Significance.

Ambry Genetics
Classification: Uncertain significance for Cardiovascular phenotype. Last evaluated: 2024-03-19. Review status: criteria provided, single submitter. Criteria: Ambry Variant Classification Scheme 2023. Collection method: clinical testing. Allele origin: germline.
Comment: The p.M317T variant (also known as c.950T>C), located in coding exon 12 of the RYR2 gene, results from a T to C substitution at nucleotide position 950. The methionine at codon 317 is replaced by threonine, an amino acid with similar properties. This alteration has been detected in an exome sequencing referral cohort, a sudden infant death syndrome cohort and a cardiomyopathy/arrhythmia genetic testing cohort; however, clinical details were limited, and additional cardiac variants were detected in some cases (Landstrom AP et al. Circ Arrhythm Electrophysiol, 2017 Apr;10(4); Tester DJ et al. J. Am. Coll. Cardiol., 2018 03;71:1217-1227; van Lint FHM et al, 2019 Jun;27:304-309). This amino acid position is not well conserved in available vertebrate species. In addition, this alteration is predicted to be tolerated by in silico analysis. Based on the available evidence, the clinical significance of this alteration remains unclear.

Molecular Genetics, Royal Melbourne Hospital
Classification: Uncertain significance for Catecholaminergic polymorphic ventricular tachycardia. Last evaluated: 2023-07-07. Review status: criteria provided, single submitter. Criteria: ACMG Guidelines, 2015. Collection method: clinical testing. Allele origin: germline. Inheritance: Autosomal dominant inheritance.
Comment: This sequence change in RYR2 is predicted to replace methionine with threonine at codon 317, p.(Met317Thr). The methionine residue is moderately conserved (100 vertebrates, UCSC), and is located in the MIR 4 domain. There is a moderate physicochemical difference between methionine and threonine. The highest population minor allele frequency in the population database gnomAD v2.1 is 0.008% (2/24,184 alleles) in the African/African American population. This variant has been reported in the literature in individuals with variable phenotypes (PMID: 28404607, 29544605, 30847666). Computational evidence predicts a benign effect for the missense substitution (REVEL = 0.251). Based on the classification scheme RMH Modified ACMG/AMP Guidelines v1.6.1, this variant is classified as a VARIANT OF UNCERTAIN SIGNIFICANCE. Following criteria are met: BP4.

Mayo Clinic Laboratories, Mayo Clinic
Classification: Uncertain significance. Last evaluated: 2023-05-31. Review status: criteria provided, single submitter. Criteria: ACMG Guidelines, 2015. Collection method: clinical testing. Allele origin: germline. Observed: 1 variant allele.

Fulgent Genetics
Classification: Uncertain significance for Ventricular arrhythmias due to cardiac ryanodine receptor calcium release deficiency syndrome; Catecholaminergic polymorphic ventricular tachycardia 1. Last evaluated: 2021-10-22. Review status: criteria provided, single submitter. Criteria: ACMG Guidelines, 2015. Collection method: clinical testing. Allele origin: unknown.

GeneDx
Classification: Uncertain significance. Last evaluated: 2017-08-14. Review status: criteria provided, single submitter. Criteria: GeneDx Variant Classification (06012015). Collection method: clinical testing. Allele origin: germline. Affected: yes.
Comment: A variant of uncertain significance has been identified in the RYR2 gene. Although the M317T variant has not been published in association with arrhythmia to our knowledge, it has been observed in at least one heterozygous individual from a cohort of patients referred for clinical whole exome sequencing (Landstrom et al., 2017); however, specific details regarding the indication for genetic testing or the patient's clinical phenotype were not described. This variant has also been observed in 1/9796 (0.010%) alleles from individuals of African ancestry, and in 3/66658 (0.005%) alleles from individuals of Non-Finnish European ancestry in large population cohorts (Lek et al., 2016; 1000 Genomes Consortium et al., 2015; Exome Variant Server). The M317T variant is a non-conservative amino acid substitution, which is likely to impact secondary protein structure as these residues differ in polarity, charge, size and/or other properties. Furthermore, M317T is located in one of the three hot-spot regions of the RYR2 gene, where the majority of pathogenic missense variants occur (Medeiros-Domingo et al., 2009). However, although this substitution occurs at a position that is conserved in mammals, threonine (T) is the wild-type residue at this position in multiple non-mammalian species, Additionally, in silico analysis is inconsistent in its predictions as to whether or not the variant is damaging to the protein structure/function.

Literature cited by the submitters: PubMed 29544605 (cited by 5 submitters); PubMed 30847666 (cited by 5 submitters); PubMed 28404607 (cited by 3 submitters).